The following is an entry in ClinVar:

NM_003079.5(SMARCE1):c.1159A>C (p.Thr387Pro)

Gene: SMARCE1 (SWI/SNF related BAF chromatin remodeling complex subunit E1; minus strand). Cytogenetic location: 17q21.2.
Variant type: single nucleotide variant.
Coding change: c.1159A>C on transcript NM_003079.5 (MANE Select); coding-DNA position 1159, A replaced by C.
Protein change: p.Thr387Pro; replaces threonine 387 with proline.
Molecular consequence: missense variant.
Genome position (GRCh38, 1-based): chr17:40,628,862, T>G on the plus strand (A>C on the coding strand, the complement: SMARCE1 is on the minus strand). VCF-style: chr17-40628862-T-G. GRCh37 (hg19) VCF-style: chr17-38785114-T-G.
Other names: c.1159A>C (NM_003079.4); short protein forms T387P.
Identifiers: ClinVar variation 1020430 (VCV001020430.8), dbSNP rs1270010378, ClinGen allele CA399361091.
Genomic context (GRCh38, chr17:40,628,862, plus strand): 5'-CTTCTGGTATGGGATCTGTTGGTGGCTCCTCCACTGTTGCACTGTTGCTCTCCGAGCCAG[T>G]GTTACTATCACTGGTTCCTTCCTCTGCCATACTGTCGACCCCCTCCTGCCCACTCTCCTT-3'
Protein context (NP_003070.3, residues 377-397): MAEEGTSDSN[Thr387Pro]GSESNSATVE

ClinVar aggregate classification (germline): Uncertain significance. Review status: criteria provided, multiple submitters, no conflicts (2 of 4 stars). 3 submissions from 3 submitters: Uncertain significance (3). Last evaluated 2024-01-24.

Conditions:
Hereditary cancer-predisposing syndrome. Also called: Tumor predisposition; Neoplastic Syndromes, Hereditary; Hereditary neoplastic syndrome; Hereditary Cancer Syndrome. Identifiers: Orphanet 140162, MedGen C0027672, MeSH D009386, MONDO:0015356.
Familial meningioma. Also called: Meningioma, familial, susceptibility to. Identifiers: Orphanet 263662, MedGen C3551915, MONDO:0011789, OMIM 607174.

Allele frequency attached by ClinVar (database versions not stated): gnomAD exomes below 0.00001; gnomAD 0.00001; TOPMed 0.00001.
gnomAD v4.1: 3 of 1,613,814 alleles (0.00019%); highest among the groups gnomAD compares: African/African-American, 0.004%; no homozygotes.

Submissions (3):

Ambry Genetics
Classification: Uncertain significance for Hereditary cancer-predisposing syndrome. Last evaluated: 2024-01-24. Review status: criteria provided, single submitter. Criteria: Ambry Variant Classification Scheme 2023. Collection method: clinical testing. Allele origin: germline.
Comment: The p.T387P variant (also known as c.1159A>C), located in coding exon 10 of the SMARCE1 gene, results from an A to C substitution at nucleotide position 1159. The threonine at codon 387 is replaced by proline, an amino acid with highly similar properties. This amino acid position is highly conserved in available vertebrate species. In addition, this alteration is predicted to be tolerated by in silico analysis. This variant has been detected in multiple individuals with no reported features of Coffin-Siris syndrome (Ambry internal data). Based on the supporting evidence, the association of this alteration with an increased risk of meningiomas is unknown; however, the association of this alteration with Coffin-Siris syndrome is unlikely.

Baylor Genetics
Classification: Uncertain significance for Familial meningioma. Last evaluated: 2023-11-21. Review status: criteria provided, single submitter. Criteria: ACMG Guidelines, 2015. Collection method: clinical testing. Allele origin: unknown.

Labcorp Genetics (formerly Invitae), Labcorp
Classification: Uncertain significance for Familial meningioma. Last evaluated: 2023-04-06. Review status: criteria provided, single submitter. Criteria: Invitae Variant Classification Sherloc (09022015). Collection method: clinical testing. Allele origin: germline.
Comment: This variant has not been reported in the literature in individuals affected with SMARCE1-related conditions. ClinVar contains an entry for this variant (Variation ID: 1020430). Advanced modeling of protein sequence and biophysical properties (such as structural, functional, and spatial information, amino acid conservation, physicochemical variation, residue mobility, and thermodynamic stability) performed at Invitae indicates that this missense variant is not expected to disrupt SMARCE1 protein function. In summary, the available evidence is currently insufficient to determine the role of this variant in disease. Therefore, it has been classified as a Variant of Uncertain Significance. This variant is present in population databases (no rsID available, gnomAD 0.008%). This sequence change replaces threonine, which is neutral and polar, with proline, which is neutral and non-polar, at codon 387 of the SMARCE1 protein (p.Thr387Pro).